The following is an entry in ClinVar:

NM_001942.4(DSG1):c.1220_1221del (p.Phe407fs)

Gene: DSG1 (desmoglein 1; plus strand). Cytogenetic location: 18q12.1.
Variant type: Deletion.
Coding change: c.1220_1221del on transcript NM_001942.4 (MANE Select); coding-DNA positions 1220 to 1221, 2 bases deleted (TT; older notation c.1220_1221delTT).
Protein change: p.Phe407fs; shifts the reading frame from phenylalanine 407.
Molecular consequence: frameshift variant.
Genome position (GRCh38, 1-based): chr18:31,336,568-31,336,569, TT deleted; deleting any 2 consecutive bases within chr18:31,336,567-31,336,569 gives the same sequence; the c. name uses the placement nearest the transcript's 3' end. VCF-style (leftmost placement, unchanged base first): chr18-31336566-CTT-C. GRCh37 (hg19) VCF-style: chr18-28916529-CTT-C.
Other names: short protein forms F407fs.
Identifiers: ClinVar variation 1072567 (VCV001072567.7), dbSNP rs2144098983, ClinGen allele CA2499225115.

ClinVar aggregate classification (germline): Pathogenic (1 of 4 stars; one submission).

Submission:

Labcorp Genetics (formerly Invitae), Labcorp
Classification: Pathogenic. Last evaluated: 2017-11-18. Review status: criteria provided, single submitter. Criteria: Invitae Variant Classification Sherloc (09022015). Collection method: clinical testing. Allele origin: germline.
Comment: This sequence change creates a premature translational stop signal (p.Phe407Cysfs*4) in the DSG1 gene. It is expected to result in an absent or disrupted protein product. This variant is not present in population databases (ExAC no frequency). This variant has not been reported in the literature in individuals with DSG1-related disease. Loss-of-function variants in DSG1 are known to be pathogenic (PMID: 23974871). For these reasons, this variant has been classified as Pathogenic.

Literature cited by the submitters: PubMed 23974871.